The following is an entry in ClinVar:

NM_032119.4(ADGRV1):c.15008G>A (p.Gly5003Asp)

Gene: ADGRV1 (adhesion G protein-coupled receptor V1; plus strand). Cytogenetic location: 5q14.3.
Variant type: single nucleotide variant.
Coding change: c.15008G>A on transcript NM_032119.4 (MANE Select); coding-DNA position 15008, G replaced by A.
Protein change: p.Gly5003Asp; replaces glycine 5003 with aspartic acid.
Molecular consequence: missense variant. On other transcripts: non-coding transcript variant (1).
Genome position (GRCh38, 1-based): chr5:90,810,268, G>A. VCF-style: chr5-90810268-G-A. GRCh37 (hg19) VCF-style: chr5-90106085-G-A.
Other names: short protein forms G5003D.
Identifiers: ClinVar variation 2870917 (VCV002870917.3), dbSNP rs1488289429, ClinGen allele CA360407176.

ClinVar aggregate classification (germline): Uncertain significance (1 of 4 stars; one submission).

Allele frequency attached by ClinVar (database versions not stated): gnomAD exomes below 0.00001; gnomAD 0.00001; TOPMed 0.00001.
gnomAD v4.1: 3 of 1,588,522 alleles (0.00019%); highest among the groups gnomAD compares: African/African-American, 0.0013%; no homozygotes.

Submission:

Labcorp Genetics (formerly Invitae), Labcorp
Classification: Uncertain significance. Last evaluated: 2023-08-10. Review status: criteria provided, single submitter. Criteria: Invitae Variant Classification Sherloc (09022015). Collection method: clinical testing. Allele origin: germline.
Comment: The frequency data for this variant in the population databases is considered unreliable, as metrics indicate poor data quality at this position in the gnomAD database. This sequence change replaces glycine, which is neutral and non-polar, with aspartic acid, which is acidic and polar, at codon 5003 of the ADGRV1 protein (p.Gly5003Asp). This variant has not been reported in the literature in individuals affected with ADGRV1-related conditions. Advanced modeling of protein sequence and biophysical properties (such as structural, functional, and spatial information, amino acid conservation, physicochemical variation, residue mobility, and thermodynamic stability) has been performed at Invitae for this missense variant, however the output from this modeling did not meet the statistical confidence thresholds required to predict the impact of this variant on ADGRV1 protein function. In summary, the available evidence is currently insufficient to determine the role of this variant in disease. Therefore, it has been classified as a Variant of Uncertain Significance.